The following is an entry in ClinVar:

NM_001042492.3(NF1):c.237A>G (p.Leu79=)

Gene: NF1 (neurofibromin 1; plus strand). Cytogenetic location: 17q11.2.
Variant type: single nucleotide variant.
Coding change: c.237A>G on transcript NM_001042492.3 (MANE Select); coding-DNA position 237, A replaced by G.
Protein change: p.Leu79=; no amino-acid change (leucine 79 retained).
Molecular consequence: synonymous variant.
Genome position (GRCh38, 1-based): chr17:31,159,042, A>G. VCF-style: chr17-31159042-A-G. GRCh37 (hg19) VCF-style: chr17-29486060-A-G.
Other names: c.237A>G, p.Leu79= (NM_000267.4, NM_001128147.3).
Identifiers: ClinVar variation 527627 (VCV000527627.18), dbSNP rs752208826, ClinGen allele CA8485506.

ClinVar aggregate classification (germline): Benign/Likely benign. Review status: criteria provided, multiple submitters, no conflicts (2 of 4 stars). 6 submissions from 6 submitters: Benign (1); Likely benign (5). Last evaluated 2026-05-25.

Conditions:
NF1-related disorder. Also called: NF1-related condition. Identifiers: MedGen CN379171.
Hereditary cancer-predisposing syndrome. Also called: Hereditary neoplastic syndrome; Hereditary Cancer Syndrome; Neoplastic Syndromes, Hereditary; Tumor predisposition. Identifiers: Orphanet 140162, MedGen C0027672, MeSH D009386, MONDO:0015356.
Cardiovascular phenotype. Identifiers: MedGen CN230736.
Neurofibromatosis, type 1 (NF1). Also called: Peripheral type neurofibromatosis; Neurofibromatosis, type I; VON RECKLINGHAUSEN DISEASE; NEUROFIBROMATOSIS, TYPE I, SOMATIC. Identifiers: Orphanet 636, MedGen C0027831, MONDO:0018975, OMIM 162200. Disease mechanism: loss of function.

Allele frequency attached by ClinVar (database versions not stated): gnomAD exomes below 0.00001; ExAC 0.00001.
gnomAD v4.1: 5 of 1,608,988 alleles (0.00031%); highest among the groups gnomAD compares: Non-Finnish European, 0.00034%; no homozygotes.

Submissions (6):

PreventionGenetics, part of Exact Sciences
Classification: Likely benign for NF1-related condition. Last evaluated: 2026-05-25. Review status: criteria provided, single submitter. Criteria: ACMG Guidelines, 2015. Collection method: clinical testing. Allele origin: germline.
Comment: This variant is classified as likely benign based on ACMG/AMP sequence variant interpretation guidelines (Richards et al. 2015 PMID: 25741868, with internal and published modifications).

Myriad Genetics, Inc.
Classification: Benign for Neurofibromatosis, type 1. Last evaluated: 2026-05-14. Review status: criteria provided, single submitter. Criteria: Myriad Autosomal Dominant, Autosomal Recessive and X-Linked Classification Criteria (2023). Collection method: clinical testing. Allele origin: unknown.
Comment: This variant is considered benign. This variant is a silent/synonymous amino acid change and it is not expected to impact splicing.

Labcorp Genetics (formerly Invitae), Labcorp
Classification: Likely benign for Neurofibromatosis, type 1. Last evaluated: 2024-10-30. Review status: criteria provided, single submitter. Criteria: Invitae Variant Classification Sherloc (09022015). Collection method: clinical testing. Allele origin: germline.

Genome-Nilou Lab
Classification: Likely benign for Neurofibromatosis, type 1. Last evaluated: 2022-03-15. Review status: criteria provided, single submitter. Criteria: ACMG Guidelines, 2015. Collection method: clinical testing. Allele origin: germline. Affected: no.

GeneDx
Classification: Likely benign. Last evaluated: 2019-05-17. Review status: criteria provided, single submitter. Criteria: GeneDx Variant Classification Process June 2021. Collection method: clinical testing. Allele origin: germline. Affected: yes.

Ambry Genetics
Classification: Likely benign for Cardiovascular phenotype; Hereditary cancer-predisposing syndrome. Last evaluated: 2019-03-06. Review status: criteria provided, single submitter. Criteria: Ambry General Variant Classification Scheme_2022. Collection method: clinical testing. Allele origin: germline. Observed: 1 variant allele.